The following is an entry in ClinVar:

ClinVar aggregate classification (germline): Uncertain significance (1 of 4 stars; one submission).

Allele frequency attached by ClinVar (database versions not stated): gnomAD exomes below 0.00001.
gnomAD v4.1: 1 of 1,599,896 alleles (0.000063%); highest among the groups gnomAD compares: Non-Finnish European, 0.000085%; no homozygotes.

Submission:

Labcorp Genetics (formerly Invitae), Labcorp
Classification: Uncertain significance. Last evaluated: 2023-08-14. Review status: criteria provided, single submitter. Criteria: Invitae Variant Classification Sherloc (09022015). Collection method: clinical testing. Allele origin: germline.
Comment: This sequence change replaces proline, which is neutral and non-polar, with serine, which is neutral and polar, at codon 180 of the COL9A3 protein (p.Pro180Ser). This variant is not present in population databases (gnomAD no frequency). This variant has not been reported in the literature in individuals affected with COL9A3-related conditions. ClinVar contains an entry for this variant (Variation ID: 2118805). Advanced modeling of protein sequence and biophysical properties (such as structural, functional, and spatial information, amino acid conservation, physicochemical variation, residue mobility, and thermodynamic stability) performed at Invitae indicates that this missense variant is not expected to disrupt COL9A3 protein function. In summary, the available evidence is currently insufficient to determine the role of this variant in disease. Therefore, it has been classified as a Variant of Uncertain Significance.

NM_001853.4(COL9A3):c.538C>T (p.Pro180Ser)

Gene: COL9A3 (collagen type IX alpha 3 chain; plus strand). Cytogenetic location: 20q13.33.
Variant type: single nucleotide variant.
Coding change: c.538C>T on transcript NM_001853.4 (MANE Select); coding-DNA position 538, C replaced by T.
Protein change: p.Pro180Ser; replaces proline 180 with serine.
Molecular consequence: missense variant.
Genome position (GRCh38, 1-based): chr20:62,824,463, C>T. VCF-style: chr20-62824463-C-T. GRCh37 (hg19) VCF-style: chr20-61455815-C-T.
Other names: short protein forms P180S.
Identifiers: ClinVar variation 2118805 (VCV002118805.4), dbSNP rs2516037392, ClinGen allele CA409590620.